The following is an entry in ClinVar:

NM_003640.5(ELP1):c.1526T>C (p.Ile509Thr)

Gene: ELP1 (elongator acetyltransferase complex subunit 1; minus strand). Cytogenetic location: 9q31.3.
Variant type: single nucleotide variant.
Coding change: c.1526T>C on transcript NM_003640.5 (MANE Select); coding-DNA position 1526, T replaced by C.
Protein change: p.Ile509Thr; replaces isoleucine 509 with threonine.
Molecular consequence: missense variant.
Genome position (GRCh38, 1-based): chr9:108,906,420, A>G on the plus strand (T>C on the coding strand, the complement: ELP1 is on the minus strand). VCF-style: chr9-108906420-A-G. GRCh37 (hg19) VCF-style: chr9-111668700-A-G.
Other names: c.1184T>C, p.Ile395Thr (NM_001318360.2); c.479T>C, p.Ile160Thr (NM_001330749.2); short protein forms I395T, I509T, I160T.
Identifiers: ClinVar variation 3844544 (VCV003844544.1).
Genomic context (GRCh38, chr9:108,906,420, plus strand): 5'-TGAATGACAGACCGGGGGCTGAACTCACTGTGGCTTACAGCCAGGAAGACGTCTTCTTCA[A>G]TCCAAGTGAGAAGGCCTAGTTTCAGCGGGTTTACATCTTGATCTTCATTATTCTCAAACT-3'
Protein context (NP_003631.2, residues 499-519): NPLKLGLLTW[Ile509Thr]EEDVFLAVSH

ClinVar aggregate classification (germline): Uncertain significance (1 of 4 stars; one submission).

Submission:

Ambry Genetics
Classification: Uncertain significance. Last evaluated: 2025-01-16. Review status: criteria provided, single submitter. Criteria: Ambry Variant Classification Scheme 2023. Collection method: clinical testing. Allele origin: germline.
Comment: The p.I509T variant (also known as c.1526T>C), located in coding exon 13 of the IKBKAP gene, results from a T to C substitution at nucleotide position 1526. The isoleucine at codon 509 is replaced by threonine, an amino acid with similar properties. This amino acid position is conserved. In addition, this alteration is predicted to be tolerated by in silico analysis. Based on the available evidence, the clinical significance of this variant remains unclear.